The following is an entry in ClinVar:

NM_002878.4(RAD51D):c.526T>A (p.Phe176Ile)

Genes: RAD51L3-RFFL (RAD51L3-RFFL readthrough; minus strand), RAD51D (RAD51 paralog D; minus strand). Cytogenetic location: 17q12.
Variant type: single nucleotide variant.
Coding change: c.526T>A on transcript NM_002878.4 (MANE Select); coding-DNA position 526, T replaced by A.
Protein change: p.Phe176Ile; replaces phenylalanine 176 with isoleucine.
Molecular consequence: missense variant. On other transcripts: non-coding transcript variant (3).
Genome position (GRCh38, 1-based): chr17:35,106,436, A>T on the plus strand (T>A on the coding strand, the complement: RAD51D is on the minus strand). VCF-style: chr17-35106436-A-T. GRCh37 (hg19) VCF-style: chr17-33433455-A-T.
Other names: c.586T>A, p.Phe196Ile (NM_001142571.2); c.190T>A, p.Phe64Ile (NM_133629.3); short protein forms F196I, F64I, F176I.
Identifiers: ClinVar variation 4742328 (VCV004742328.1).

ClinVar aggregate classification (germline): Uncertain significance (1 of 4 stars; one submission).

Conditions:
Breast-ovarian cancer, familial, susceptibility to, 4. Identifiers: Orphanet 145, MedGen C3280345, MONDO:0013669, OMIM 614291.

Submission:

Labcorp Genetics (formerly Invitae), Labcorp
Classification: Uncertain significance for Breast-ovarian cancer, familial, susceptibility to, 4. Last evaluated: 2025-12-31. Review status: criteria provided, single submitter. Criteria: Invitae Variant Classification Sherloc (09022015). Collection method: clinical testing. Allele origin: germline.
Comment: This sequence change replaces phenylalanine, which is neutral and non-polar, with isoleucine, which is neutral and non-polar, at codon 176 of the RAD51D protein (p.Phe176Ile). This variant is not present in population databases (gnomAD no frequency). This variant has not been reported in the literature in individuals affected with RAD51D-related conditions. Invitae Evidence Modeling of protein sequence and biophysical properties (such as structural, functional, and spatial information, amino acid conservation, physicochemical variation, residue mobility, and thermodynamic stability) indicates that this missense variant is not expected to disrupt RAD51D protein function with a negative predictive value of 80%. In summary, the available evidence is currently insufficient to determine the role of this variant in disease. Therefore, it has been classified as a Variant of Uncertain Significance.